The following is an entry in ClinVar:

ClinVar aggregate classification (germline): Uncertain significance. Review status: criteria provided, multiple submitters, no conflicts (2 of 4 stars). 2 submissions from 2 submitters: Uncertain significance (2). Last evaluated 2025-09-26.

Conditions:
Inborn genetic diseases. Identifiers: MedGen C0950123, MeSH D030342.
Deficiency of galactokinase. Also called: GALACTOSEMIA II; Galactokinase deficiency with cataracts. Identifiers: Orphanet 352, Orphanet 79237, MedGen C0268155, MONDO:0009255, OMIM 230200.

gnomAD v4.1: 14 of 1,613,794 alleles (0.00087%); highest among the groups gnomAD compares: East Asian, 0.0022%; no homozygotes.

Submissions (2):

Ambry Genetics
Classification: Uncertain significance for Inborn genetic diseases. Last evaluated: 2025-09-26. Review status: criteria provided, single submitter. Criteria: Ambry Variant Classification Scheme 2023. Collection method: clinical testing. Allele origin: germline.

Labcorp Genetics (formerly Invitae), Labcorp
Classification: Uncertain significance for Deficiency of galactokinase. Last evaluated: 2025-08-03. Review status: criteria provided, single submitter. Criteria: Invitae Variant Classification Sherloc (09022015). Collection method: clinical testing. Allele origin: germline.
Comment: This sequence change replaces asparagine, which is neutral and polar, with lysine, which is basic and polar, at codon 224 of the GALK1 protein (p.Asn224Lys). This variant is not present in population databases (gnomAD no frequency). This variant has not been reported in the literature in individuals affected with GALK1-related conditions. ClinVar contains an entry for this variant (Variation ID: 2600908). Invitae Evidence Modeling of protein sequence and biophysical properties (such as structural, functional, and spatial information, amino acid conservation, physicochemical variation, residue mobility, and thermodynamic stability) indicates that this missense variant is expected to disrupt GALK1 protein function with a positive predictive value of 80%. In summary, the available evidence is currently insufficient to determine the role of this variant in disease. Therefore, it has been classified as a Variant of Uncertain Significance.

NM_000154.2(GALK1):c.672C>G (p.Asn224Lys)

Gene: GALK1 (galactokinase 1; minus strand). Cytogenetic location: 17q25.1.
Variant type: single nucleotide variant.
Coding change: c.672C>G on transcript NM_000154.2 (MANE Select); coding-DNA position 672, C replaced by G.
Protein change: p.Asn224Lys; replaces asparagine 224 with lysine.
Molecular consequence: missense variant.
Genome position (GRCh38, 1-based): chr17:75,762,825, G>C on the plus strand (C>G on the coding strand, the complement: GALK1 is on the minus strand). VCF-style: chr17-75762825-G-C. GRCh37 (hg19) VCF-style: chr17-73758906-G-C.
Other names: c.672C>G, p.Asn224Lys (NM_001381985.1); short protein forms N224K.
Identifiers: ClinVar variation 2600908 (VCV002600908.4), dbSNP rs981970282, ClinGen allele CA294088955.
Genomic context (GRCh38, chr17:75,762,825, plus strand): 5'-TTCACATTGGCGCCGCCGCACAGGGTACTCGCTGGAGGCCAGGGAGTGGCGGACATTAGA[G>C]TTGGTGATGAGCACGGCCAGCTTGGGGTCCGAGAGTGGCACCAGGCTGGTCTCCAAGGAC-3'
Protein context (NP_000145.1, residues 214-234): SDPKLAVLIT[Asn224Lys]SNVRHSLASS